The following is an entry in ClinVar:

ClinVar aggregate classification (germline): Uncertain significance (1 of 4 stars; one submission).

Conditions:
Exostoses, multiple, type 1 (EXT1). Also called: EXOSTOSES, MULTIPLE, TYPE I; Hereditary Multiple Osteochondromatosis, Type I. Identifiers: MedGen CN263289, MONDO:0007585, OMIM 133700.

Submission:

Institute of Human Genetics, University of Leipzig Medical Center
Classification: Uncertain significance for Exostoses, multiple, type 1. Last evaluated: 2025-08-08. Review status: criteria provided, single submitter. Criteria: ACMG Guidelines, 2015. Collection method: clinical testing. Allele origin: unknown. Inheritance: Autosomal dominant inheritance. Affected: yes.
Comment: Criteria applied: PM2,PP3

NM_000127.3(EXT1):c.1722+3_1722+13delinsGCTTTCAA

Gene: EXT1 (exostosin glycosyltransferase 1; minus strand). Cytogenetic location: 8q24.11.
Variant type: Indel.
Coding change: c.1722+3_1722+13delinsGCTTTCAA on transcript NM_000127.3 (MANE Select); bases 3 to 13 of the intron after coding-DNA position 1722, AAGAACCCATG replaced by GCTTTCAA.
Molecular consequence: intron variant.
Genome position (GRCh38, 1-based): chr8:117,812,859-117,812,869, CATGGGTTCTT replaced by TTGAAAGC on the plus strand (AAGAACCCATG replaced by GCTTTCAA on the coding strand, the reverse complement: EXT1 is on the minus strand). VCF-style: chr8-117812859-CATGGGTTCTT-TTGAAAGC. GRCh37 (hg19) VCF-style: chr8-118825098-CATGGGTTCTT-TTGAAAGC.
Identifiers: ClinVar variation 4279012 (VCV004279012.1).